The following is an entry in ClinVar:

NM_000156.6(GAMT):c.372G>A (p.Leu124=)

Gene: GAMT (guanidinoacetate N-methyltransferase; minus strand). Cytogenetic location: 19p13.3.
Variant type: single nucleotide variant.
Coding change: c.372G>A on transcript NM_000156.6 (MANE Select); coding-DNA position 372, G replaced by A.
Protein change: p.Leu124=; no amino-acid change (leucine 124 retained).
Molecular consequence: synonymous variant.
Genome position (GRCh38, 1-based): chr19:1,399,543, C>T on the plus strand (G>A on the coding strand, the complement: GAMT is on the minus strand). VCF-style: chr19-1399543-C-T. GRCh37 (hg19) VCF-style: chr19-1399542-C-T.
Other names: NM_000156.6(GAMT):c.372G>A; p.Leu124=; c.372G>A, p.Leu124= (NM_138924.3).
Identifiers: ClinVar variation 891607 (VCV000891607.16), dbSNP rs748762855, ClinGen allele CA9043705.

ClinVar aggregate classification (germline): Uncertain significance. Review status: reviewed by expert panel (3 of 4 stars). 3 submissions from 3 submitters: Uncertain significance (1). 2 of the submissions do not count toward it. Last evaluated 2024-10-08.

Conditions:
Cerebral creatine deficiency syndrome. Also called: Creatine deficiency syndromes. Identifiers: Orphanet 79172, MedGen C5244016, MONDO:0000456.
Deficiency of guanidinoacetate methyltransferase (CCDS2). Also called: GAMT DEFICIENCY; CEREBRAL CREATINE DEFICIENCY SYNDROME 2; Guanidinoacetate Methyltransferase (GAMT) Deficiency. Identifiers: Orphanet 382, MedGen C0574080, MONDO:0012999, OMIM 612736.

Allele frequency attached by ClinVar (database versions not stated): ExAC 0.00001; TOPMed 0.00001; gnomAD 0.00001.
gnomAD v4.1: 9 of 1,613,050 alleles (0.00056%); highest among the groups gnomAD compares: Non-Finnish European, 0.00059%; no homozygotes.

Submissions (3):

ClinGen Cerebral Creatine Deficiency Syndromes Variant Curation Expert Panel, ClinGen
Classification: Uncertain significance for Deficiency of guanidinoacetate methyltransferase. Last evaluated: 2024-10-08. Review status: reviewed by expert panel. Criteria: ClinGen CCDS ACMG Specifications GAMT V2.0.0. Collection method: curation. Allele origin: germline. Inheritance: Autosomal recessive inheritance.
Comment: The NM_000156.6:c.372G>A variant in GAMT is a synonymous (silent) variant (p.Leu124=) for which SpliceAI predicts no impact on splicing (all scores <0.1) (BP4, BP7) To our knowledge, this variant has not been reported in the literature and results of functional studies are unavailable. The highest population minor allele frequency in gnomAD v4.1.0 is 0.000005933 (7/1179802 alleles) in the European (non-Finnish) population, which is lower than the ClinGen CCDS VCEP’s threshold for PM2_Supporting (<0.0004), meeting this criterion (PM2_Supporting). There is a ClinVar entry for this variant (Variation ID: 891607). In summary, this variant meets the criteria to be classified as a variant of uncertain significance for GAMT deficiency based on the ACMG/AMP criteria applied, as specified by the ClinGen Cerebral Creatine Deficiency Syndromes Variant Curation Expert Panel (Specifications Version 2.0.0): PM2_Supporting, BP4, BP7. (Classification approved by the ClinGen Cerebral Creatine Deficiency Syndromes Variant Curation Expert Panel on October 8th, 2024).

Labcorp Genetics (formerly Invitae), Labcorp
Classification: Likely benign for Cerebral creatine deficiency syndrome. Last evaluated: 2023-06-16. Review status: criteria provided, single submitter. Criteria: Invitae Variant Classification Sherloc (09022015). Collection method: clinical testing. Allele origin: germline. Not counted in ClinVar's aggregate classification.

Illumina Laboratory Services, Illumina
Classification: Uncertain significance for Deficiency of guanidinoacetate methyltransferase. Last evaluated: 2018-01-13. Review status: criteria provided, single submitter. Criteria: ICSL Variant Classification Criteria 13 December 2019. Collection method: clinical testing. Allele origin: germline. Not counted in ClinVar's aggregate classification.